The following is an entry in ClinVar:

NM_005245.4(FAT1):c.10590C>G (p.Tyr3530Ter)

Genes: FAT1 (FAT atypical cadherin 1; minus strand), LOC126807254 (BRD4-independent group 4 enhancer GRCh37_chr4:187524269-187525468; plus strand). Cytogenetic location: 4q35.2.
Variant type: single nucleotide variant.
Coding change: c.10590C>G on transcript NM_005245.4 (MANE Select); coding-DNA position 10590, C replaced by G.
Protein change: p.Tyr3530Ter; replaces tyrosine 3530 with a stop codon.
Molecular consequence: nonsense.
Genome position (GRCh38, 1-based): chr4:186,603,936, G>C on the plus strand (C>G on the coding strand, the complement: FAT1 is on the minus strand). VCF-style: chr4-186603936-G-C. GRCh37 (hg19) VCF-style: chr4-187525090-G-C.
Other names: short protein forms Y3530*.
Identifiers: ClinVar variation 1333514 (VCV001333514.1), dbSNP rs751163127, ClinGen allele CA358977018.

ClinVar aggregate classification (germline): Likely pathogenic (1 of 4 stars; one submission).

Conditions:
FAT1-related disorder. Also called: FAT1-related condition.

Submission:

3billion
Classification: Likely pathogenic for FAT1 related disorder. Last evaluated: 2022-01-03. Review status: criteria provided, single submitter. Criteria: ACMG Guidelines, 2015. Collection method: clinical testing. Allele origin: germline. Affected: yes. Observed: 1 heterozygote.
Comment: Stop-gained (nonsense): predicted to result in a loss or disruption of normal protein function through nonsense-mediated decay (NMD) or protein truncation. Multiple pathogenic variants are reported downstream of the variant (PVS1_VS). It is not observed in the gnomAD v2.1.1 dataset (PM2_M). Therefore, this variant is classified as likely pathogenic according to the recommendation of ACMG/AMP guideline.